The following is an entry in ClinVar:

ClinVar aggregate classification (germline): Pathogenic (1 of 4 stars; one submission).

Submission:

GeneDx
Classification: Pathogenic. Last evaluated: 2024-04-13. Review status: criteria provided, single submitter. Criteria: GeneDx Variant Classification Process June 2021. Collection method: clinical testing. Allele origin: germline. Affected: yes.
Comment: Nonsense variant predicted to result in protein truncation or nonsense mediated decay in a gene for which loss-of-function is a known mechanism of disease; Not observed at significant frequency in large population cohorts (gnomAD); Has not been previously published as pathogenic or benign to our knowledge

NM_001374828.1(ARID1B):c.1569C>A (p.Tyr523Ter)

Gene: ARID1B (AT-rich interaction domain 1B; plus strand). Cytogenetic location: 6q25.3.
Variant type: single nucleotide variant.
Coding change: c.1569C>A on transcript NM_001374828.1 (MANE Select); coding-DNA position 1569, C replaced by A.
Protein change: p.Tyr523Ter; replaces tyrosine 523 with a stop codon.
Molecular consequence: nonsense.
Genome position (GRCh38, 1-based): chr6:156,779,249, C>A. VCF-style: chr6-156779249-C-A. GRCh37 (hg19) VCF-style: chr6-157100383-C-A.
Other names: c.1320C>A (NM_020732.3); c.1569C>A, p.Tyr523Ter (NM_001371656.1, NM_001374820.1, NM_017519.3); short protein forms Y523*.
Identifiers: ClinVar variation 3253292 (VCV003253292.1), dbSNP rs1307271255.